The following is an entry in ClinVar:

ClinVar aggregate classification (germline): Uncertain significance (1 of 4 stars; one submission).

Submission:

Labcorp Genetics (formerly Invitae), Labcorp
Classification: Uncertain significance. Last evaluated: 2023-08-11. Review status: criteria provided, single submitter. Criteria: Invitae Variant Classification Sherloc (09022015). Collection method: clinical testing. Allele origin: germline.
Comment: In summary, the available evidence is currently insufficient to determine the role of this variant in disease. Therefore, it has been classified as a Variant of Uncertain Significance. Advanced modeling of protein sequence and biophysical properties (such as structural, functional, and spatial information, amino acid conservation, physicochemical variation, residue mobility, and thermodynamic stability) performed at Invitae indicates that this missense variant is expected to disrupt SRP54 protein function. This variant has not been reported in the literature in individuals affected with SRP54-related conditions. This variant is not present in population databases (gnomAD no frequency). This sequence change replaces aspartic acid, which is acidic and polar, with glycine, which is neutral and non-polar, at codon 190 of the SRP54 protein (p.Asp190Gly).

NM_003136.4(SRP54):c.569A>G (p.Asp190Gly)

Gene: SRP54 (signal recognition particle 54; plus strand). Cytogenetic location: 14q13.2.
Variant type: single nucleotide variant.
Coding change: c.569A>G on transcript NM_003136.4 (MANE Select); coding-DNA position 569, A replaced by G.
Protein change: p.Asp190Gly; replaces aspartic acid 190 with glycine.
Molecular consequence: missense variant.
Genome position (GRCh38, 1-based): chr14:35,011,592, A>G. VCF-style: chr14-35011592-A-G. GRCh37 (hg19) VCF-style: chr14-35480798-A-G.
Other names: c.422A>G, p.Asp141Gly (NM_001146282.2); c.569A>G, p.Asp190Gly (NM_001411017.1); short protein forms D141G, D190G.
Identifiers: ClinVar variation 2751954 (VCV002751954.3), dbSNP rs2502754958, ClinGen allele CA389441427.
Genomic context (GRCh38, chr14:35,011,592, plus strand): 5'-TCATTGCTTCTGAAGGAGTAGAGAAATTTAAAAATGAAAATTTTGAAATTATTATTGTTG[A>G]TACAAGTGGCCGCCACAAACAAGAAGACTCTTTGTTTGAAGAAATGCTTCAAGTTGCTAA-3'
Protein context (NP_003127.1, residues 180-200): KNENFEIIIV[Asp190Gly]TSGRHKQEDS